The following is an entry in ClinVar:

ClinVar aggregate classification (germline): Likely pathogenic (1 of 4 stars; one submission).

Conditions:
Usher syndrome type 1D (USH1D). Also called: USHER SYNDROME, TYPE ID. Identifiers: Orphanet 231169, Orphanet 886, MedGen C1832845, MONDO:0010984, OMIM 601067.

Submission:

Breakthrough Genomics
Classification: Likely pathogenic for Usher syndrome type 1D. Last evaluated: 2020-02-01. Review status: criteria provided, single submitter. Criteria: ACMG Guidelines, 2015. Collection method: clinical testing. Allele origin: germline. Affected: yes.
Comment: This variant is predicted to cause a frameshift and consequent premature termination of the protein (p.Ala1466GlyfsTer3). The truncated protein is likely to lack the transmembrane domain of the protein [UniProt]; this will likely result in loss-of-function. Due to the introduction of a premature stop codon, this aberrant transcript will likely be targeted by the nonsense-mediated mRNA decay (NMD) mechanism [PMID: 15040442]. The identified variant seems to be a novel variant, as it has not been previously reported in population or public databases or in the literature.

NM_022124.6(CDH23):c.4396dup (p.Ala1466fs)

Gene: CDH23 (cadherin related 23; plus strand). Cytogenetic location: 10q22.1.
Variant type: Duplication.
Coding change: c.4396dup on transcript NM_022124.6 (MANE Select); coding-DNA position 4396, one base duplicated (G; older notation c.4396dupG).
Protein change: p.Ala1466fs; shifts the reading frame from alanine 1466.
Molecular consequence: frameshift variant.
Genome position (GRCh38, 1-based): chr10:71,739,680, G duplicated; the last of 5 consecutive G bases (chr10:71,739,676-71,739,680); duplicating any one gives the same sequence. VCF-style (leftmost placement, unchanged base first): chr10-71739675-C-CG. GRCh37 (hg19) VCF-style: chr10-73499432-C-CG.
Other names: p.Ala1466GlyfsTer3; short protein forms A1466fs.
Identifiers: ClinVar variation 3255572 (VCV003255572.2).